The following is an entry in ClinVar:

ClinVar aggregate classification (germline): Pathogenic (1 of 4 stars; one submission).

Conditions:
Hereditary breast ovarian cancer syndrome. Also called: Breast and ovarian cancer; BRCA1- and BRCA2-Associated Hereditary Breast and Ovarian Cancer; Hereditary breast and ovarian cancer syndrome; Hereditary breast and/or ovarian cancer syndrome; Hereditary breast and ovarian cancer; Hereditary breast and ovarian cancer syndrome (HBOC). Identifiers: Orphanet 145, MedGen C0677776, MeSH D061325, MONDO:0003582. Disease mechanism: loss of function.

Submission:

Labcorp Genetics (formerly Invitae), Labcorp
Classification: Pathogenic for Hereditary breast ovarian cancer syndrome. Last evaluated: 2024-07-01. Review status: criteria provided, single submitter. Criteria: Invitae Variant Classification Sherloc (09022015). Collection method: clinical testing. Allele origin: germline.
Comment: This sequence change creates a premature translational stop signal (p.His2251Phefs*9) in the BRCA2 gene. It is expected to result in an absent or disrupted protein product. Loss-of-function variants in BRCA2 are known to be pathogenic (PMID: 20104584). This variant is not present in population databases (gnomAD no frequency). This variant has not been reported in the literature in individuals affected with BRCA2-related conditions. For these reasons, this variant has been classified as Pathogenic.

Literature cited by the submitters: PubMed 20104584.

NM_000059.4(BRCA2):c.6751_6752del (p.His2251fs)

Gene: BRCA2 (BRCA2 DNA repair associated; plus strand). Cytogenetic location: 13q13.1.
Variant type: Microsatellite.
Coding change: c.6751_6752del on transcript NM_000059.4 (MANE Select); coding-DNA positions 6751 to 6752, 2 bases deleted (CA; older notation c.6751_6752delCA).
Protein change: p.His2251fs; shifts the reading frame from histidine 2251.
Molecular consequence: frameshift variant.
Genome position (GRCh38, 1-based): chr13:32,341,106-32,341,107, CA deleted; deleting any 2 consecutive bases within chr13:32,341,102-32,341,107 gives the same sequence; the c. name uses the placement nearest the transcript's 3' end. VCF-style (leftmost placement, unchanged base first): chr13-32341101-CCA-C. GRCh37 (hg19) VCF-style: chr13-32915238-CCA-C.
Other names: short protein forms H2251fs.
Identifiers: ClinVar variation 1068686 (VCV001068686.7), dbSNP rs2137530370, ClinGen allele CA2580614677.